The following continues an entry in ClinVar:

NM_003001.5(SDHC):c.43C>T (p.Arg15Ter)

Gene: SDHC. ClinVar aggregate classification (germline): Pathogenic. Pathogenic (18).

Submissions 12 to 20 of 20:

Myriad Genetics, Inc.
Classification: Pathogenic for Pheochromocytoma/paraganglioma syndrome 3. Last evaluated: 2024-02-08. Review status: criteria provided, single submitter. Criteria: Myriad Autosomal Dominant, Autosomal Recessive and X-Linked Classification Criteria (2023). Collection method: clinical testing. Allele origin: unknown.
Comment: This variant is considered pathogenic. This variant creates a termination codon and is predicted to result in premature protein truncation.

All of Us Research Program, National Institutes of Health
Classification: Pathogenic for Hereditary pheochromocytoma and paraganglioma. Last evaluated: 2023-08-28. Review status: criteria provided, single submitter. Criteria: ACMG Guidelines, 2015. Collection method: clinical testing. Allele origin: germline. Inheritance: Autosomal dominant inheritance. Observed: 3 variant alleles, 3 heterozygotes.
Comment: The c.43C>T (p.Arg15*) variant of the SDHC gene creates an early stop codon. It is expected to result in an absent or disrupted protein product. This variant has been reported in multiple individuals with paraganglioma, pheochromocytoma, gastrointestinal stromal tumors, and adrenocortical cancer (PMID: 17667967, 19351833, 21106325, 22868853, 24758179, 24781345, 27279923, 28412079). This variant has been identified in 2/248902 chromosomes in the general population by the Genome Aggregation Database (gnomAD). Loss-of-function variants in SDHC are known to be pathogenic (PMID: 19546167, 17667967). Therefore, the c.43C>T (p.Arg15*) variant of the SDHC gene is classified as pathogenic.

This study involves interpretation of variants in research participants for the purpose of population health screening. Participant phenotype was not available at the time of variant classification. Additional details can be found in publication PMID: 35346344, PMCID: PMC8962531

GeneDx
Classification: Pathogenic. Last evaluated: 2023-05-25. Review status: criteria provided, single submitter. Criteria: GeneDx Variant Classification Process June 2021. Collection method: clinical testing. Allele origin: germline. Affected: yes.
Comment: Nonsense variant predicted to result in protein truncation or nonsense mediated decay in a gene for which loss of function is a known mechanism of disease; Not observed at significant frequency in large population cohorts (gnomAD); This variant is associated with the following publications: (PMID: 19351833, 24781345, 24758179, 22517557, 27600092, 25525159, 19454582, 22703879, 22868853, 23934599, 17898811, 26269449, 26046366, 28412079, 28594934, 21106325, 29878124, 30050099, 28819017, 30301441, 27279923, 17667967, 32561571, 32741965, 30787465, 35668420, 34558728, 35731023, 33087929)

Women's Health and Genetics/Laboratory Corporation of America, LabCorp
Classification: Pathogenic for Hereditary pheochromocytoma and paraganglioma. Last evaluated: 2022-02-14. Review status: criteria provided, single submitter. Criteria: LabCorp Variant Classification Summary - May 2015. Collection method: clinical testing. Allele origin: germline.
Comment: Variant summary: SDHC c.43C>T (p.Arg15X) results in a premature termination codon, predicted to cause a truncation of the encoded protein or absence of the protein due to nonsense mediated decay, which are commonly known mechanisms for disease. Truncations downstream of this position have been associated with Paraganglioma-Pheochromocytoma in HGMD . The variant allele was found at a frequency of 8e-06 in 248902 control chromosomes (gnomAD). c.43C>T has been reported in the literature in multiple individuals affected with Paraganglioma-Pheochromocytoma (example: Williams_2021). These data indicate that the variant is very likely to be associated with disease. Six clinical diagnostic laboratories have submitted clinical-significance assessments for this variant to ClinVar after 2014 and all laboratories classified the variant as pathogenic. Based on the evidence outlined above, the variant was classified as pathogenic.

Laboratory for Molecular Medicine, Mass General Brigham Personalized Medicine
Classification: Pathogenic for Hereditary pheochromocytoma and paraganglioma. Last evaluated: 2019-12-11. Review status: criteria provided, single submitter. Criteria: ACMG Guidelines, 2015. Collection method: clinical testing. Allele origin: germline. Inheritance: Autosomal dominant inheritance.
Comment: The p.Arg15X variant in SDHC has been reported in at least 6 individuals with SDHC-associated cancers (Pasini 2008, Vandy 2011, Illouz 2012, Renella 2014, Else 2014). This variant has been identified in 0.003% (1/30594) South Asian chromosomes by chromosomes by gnomAD. This nonsense variant leads to a premature termination codon at position 15, which is predicted to lead to a truncated or absent protein. Heterozygous loss of function of the SDHC gene is an established disease mechanism in individuals with hereditary paragangliomas and pheochromocytomas. In summary, this variant meets criteria to be classified as pathogenic for hereditary paragangliomas and pheochromocytomas in an autosomal dominant manner. ACMG/AMP Criteria applied: PVS1, PM2, PS4_Moderate.

Center for Human Genetics, Inc
Classification: Pathogenic for Pheochromocytoma/paraganglioma syndrome 3. Last evaluated: 2016-11-01. Review status: criteria provided, single submitter. Criteria: ACMG Guidelines, 2015. Collection method: clinical testing. Allele origin: germline. Affected: yes.

Juno Genomics, Hangzhou Juno Genomics, Inc
Classification: Pathogenic for Pheochromocytoma/paraganglioma syndrome 3. Review status: criteria provided, single submitter. Criteria: ACMG Guidelines, 2015. Collection method: clinical testing. Allele origin: germline.
Comment: Absent from controls (or at extremely low frequency if recessive) in Genome Aggregation Database.;Null variant in a gene where loss of function (LOF) is a known mechanism of disease.;The prevalence of the variant in affected individuals is significantly increased compared to the prevalence in controls.

Biesecker Lab/Clinical Genomics Section, National Institutes of Health
Classification: Pathogenic for Paragangliomas 3. Last evaluated: 2012-07-13. Review status: no assertion criteria provided. Collection method: research. Allele origin: germline. Affected: no. Observed: 1 variant allele. Study: ClinSeq. Not counted in ClinVar's aggregate classification.
ClinVar note: Converted during submission from pathogenic to Pathogenic.

Section on Medical Neuroendocrinolgy, National Institutes of Health
Classification: Pathogenic for Hereditary pheochromocytoma and paraganglioma. Review status: no assertion criteria provided. Collection method: research. Allele origin: germline. Affected: yes. Not counted in ClinVar's aggregate classification.

Literature cited by the submitters: PubMed 17667967 (cited by 6 submitters); PubMed 19454582 (cited by Labcorp Genetics (formerly Invitae), Labcorp and Color Diagnostics, LLC DBA Color Health); PubMed 23282968 (cited by Labcorp Genetics (formerly Invitae), Labcorp); PubMed 24758179 (cited by 6 submitters); PubMed 19351833 (cited by 5 submitters); PubMed 21106325 (cited by 7 submitters); PubMed 22868853 (cited by 5 submitters); PubMed 24781345 (cited by 6 submitters); PubMed 29878124 (cited by Quest Diagnostics Nichols Institute San Juan Capistrano and Ambry Genetics); PubMed 28412079 (cited by 3 submitters); PubMed 34558728 (cited by Color Diagnostics, LLC DBA Color Health and Women's Health and Genetics/Laboratory Corporation of America, LabCorp); PubMed 27279923 (cited by 3 submitters); PubMed 30050099 (cited by Ambry Genetics); PubMed 31194233 (cited by Ambry Genetics); PubMed 33748650 (cited by Ambry Genetics); PubMed 19546167 (cited by All of Us Research Program, National Institutes of Health).